The following is an entry in ClinVar:

ClinVar aggregate classification (germline): Pathogenic/Likely pathogenic. Review status: criteria provided, multiple submitters, no conflicts (2 of 4 stars). 6 submissions from 6 submitters: Pathogenic (3); Likely pathogenic (1). 2 of the submissions do not count toward it. Last evaluated 2023-06-22.

Conditions:
Familial adenomatous polyposis 2. Also called: COLORECTAL ADENOMATOUS POLYPOSIS, AUTOSOMAL RECESSIVE; MYH-associated polyposis; MUTYH-related attenuated familial adenomatous polyposis; ADENOMAS, MULTIPLE COLORECTAL, AUTOSOMAL RECESSIVE; MUTYH-associated polyposis; FAP type 2. Identifiers: Orphanet 220460, Orphanet 247798, MedGen C3272841, MONDO:0012041, OMIM 608456.
Hereditary cancer-predisposing syndrome. Also called: Tumor predisposition; Neoplastic Syndromes, Hereditary; Hereditary Cancer Syndrome; Hereditary neoplastic syndrome. Identifiers: Orphanet 140162, MedGen C0027672, MeSH D009386, MONDO:0015356.
MUTYH-related disorder. Also called: MUTYH-related condition; MUTYH-related disorders.

Allele frequency attached by ClinVar (database versions not stated): TOPMed below 0.00001; gnomAD 0.00001.
gnomAD v4.1: 1 of 1,614,116 alleles (0.000062%); highest among the groups gnomAD compares: African/African-American, 0.0013%; no homozygotes.

Submissions (6):

Ambry Genetics
Classification: Pathogenic for Hereditary cancer-predisposing syndrome. Last evaluated: 2023-06-22. Review status: criteria provided, single submitter. Criteria: Ambry Variant Classification Scheme 2023. Collection method: clinical testing. Allele origin: germline.
Comment: The p.W113* pathogenic mutation (also known as c.338G>A), located in coding exon 3 of the MUTYH gene, results from a G to A substitution at nucleotide position 338. This changes the amino acid from a tryptophan to a stop codon within coding exon 3. This alteration is expected to result in loss of function by premature protein truncation or nonsense-mediated mRNA decay. This variant is considered to be rare based on population cohorts in the Genome Aggregation Database (gnomAD). As such, this alteration is interpreted as a disease-causing mutation.

Labcorp Genetics (formerly Invitae), Labcorp
Classification: Pathogenic for Familial adenomatous polyposis 2. Last evaluated: 2022-11-26. Review status: criteria provided, single submitter. Criteria: Invitae Variant Classification Sherloc (09022015). Collection method: clinical testing. Allele origin: germline.
Comment: This variant is not present in population databases (gnomAD no frequency). This sequence change creates a premature translational stop signal (p.Trp113*) in the MUTYH gene. It is expected to result in an absent or disrupted protein product. Loss-of-function variants in MUTYH are known to be pathogenic (PMID: 18534194, 20663686). This variant has not been reported in the literature in individuals affected with MUTYH-related conditions. ClinVar contains an entry for this variant (Variation ID: 630488). For these reasons, this variant has been classified as Pathogenic.

Color Diagnostics, LLC DBA Color Health
Classification: Pathogenic for Hereditary cancer-predisposing syndrome. Last evaluated: 2020-04-14. Review status: criteria provided, single submitter. Criteria: ACMG Guidelines, 2015. Collection method: clinical testing. Allele origin: germline.
Comment: This variant changes 1 nucleotide in exon 3 of the MUTYH gene, creating a premature translation stop signal. This variant is expected to result in an absent or non-functional protein product. To our knowledge, this variant has not been reported in individuals affected with hereditary cancer in the literature. This variant has not been identified in the general population by the Genome Aggregation Database (gnomAD). Loss of MUTYH function is a known mechanism of disease. Based on the available evidence, this variant is classified as Pathogenic.

Women's Health and Genetics/Laboratory Corporation of America, LabCorp
Classification: Likely pathogenic for MUTYH-associated polyposis. Last evaluated: 2018-07-31. Review status: criteria provided, single submitter. Criteria: LabCorp Variant Classification Summary - May 2015. Collection method: clinical testing. Allele origin: germline.
Comment: Variant summary: MUTYH c.338G>A (p.Trp113X) results in a premature termination codon, predicted to cause a truncation of the encoded protein or absence of the protein due to nonsense mediated decay, which are commonly known mechanisms for disease. Truncations downstream of this position have been classified as pathogenic by our laboratory (eg. c.1147delC, p.Ala385fsX23; c.1227_1228dupGG, p.Glu410fsX43; c.1437_1439delGGA, p.Glu480del). The variant allele was found at a frequency of 1.6e-05 in 121388 control chromosomes (ExAC). To our knowledge, no occurrence of c.338G>A in individuals affected with MUTYH-associated Polyposis and no experimental evidence demonstrating its impact on protein function have been reported. No clinical diagnostic laboratories have submitted clinical-significance assessments for this variant to ClinVar after 2014. Based on the evidence outlined above, the variant was classified as likely pathogenic.

PreventionGenetics, part of Exact Sciences
Classification: Pathogenic for MUTYH-related condition. Last evaluated: 2024-07-10. Review status: no assertion criteria provided. Collection method: clinical testing. Allele origin: germline. Not counted in ClinVar's aggregate classification.
Comment: The MUTYH c.338G>A variant is predicted to result in premature protein termination (p.Trp113*). This variant has not been reported in the literature in individuals with MUTYH-associated polyposis. This variant has not been reported in a large population database, indicating this variant is rare. This variant is classified as pathogenic/likely pathogenic by multiple submitters in ClinVar. Nonsense variants in MUTYH are expected to be pathogenic. This variant is interpreted as pathogenic.

Department of Pathology and Laboratory Medicine, Sinai Health System
Classification: Uncertain significance. Review status: no assertion criteria provided. Collection method: clinical testing. Allele origin: unknown. Affected: yes. Observed: 1 variant allele. Study: The Canadian Open Genetics Repository (COGR). Not counted in ClinVar's aggregate classification.

Literature cited by the submitters: PubMed 18534194 (cited by Labcorp Genetics (formerly Invitae), Labcorp); PubMed 20663686 (cited by Labcorp Genetics (formerly Invitae), Labcorp).

NM_001048174.2(MUTYH):c.254G>A (p.Trp85Ter)

Gene: MUTYH (mutY DNA glycosylase; minus strand). Cytogenetic location: 1p34.1.
Variant type: single nucleotide variant.
Coding change: c.254G>A on transcript NM_001048174.2 (MANE Select); coding-DNA position 254, G replaced by A.
Protein change: p.Trp85Ter; replaces tryptophan 85 with a stop codon.
Molecular consequence: nonsense. On other transcripts: 5 prime UTR variant (4), non-coding transcript variant (2).
Genome position (GRCh38, 1-based): chr1:45,333,423, C>T on the plus strand (G>A on the coding strand, the complement: MUTYH is on the minus strand). VCF-style: chr1-45333423-C-T. GRCh37 (hg19) VCF-style: chr1-45799095-C-T.
Other names: c.254G>A, p.Trp85Ter (NM_001048171.2, NM_001048173.2, NM_001293195.2); c.257G>A, p.Trp86Ter (NM_001048172.2); c.338G>A, p.Trp113Ter (NM_001128425.2); c.299G>A, p.Trp100Ter (NM_001293190.2); c.287G>A, p.Trp96Ter (NM_001293191.2); c.-23G>A (NM_001293192.2, NM_001293196.2); c.-18G>A (NM_001350650.2, NM_001350651.2); c.329G>A, p.Trp110Ter (NM_012222.3); short protein forms W113*, W86*, W85*, W96*, W100*, W110*.
Identifiers: ClinVar variation 630488 (VCV000630488.17), dbSNP rs888691362, ClinGen allele CA21839639.